The following is an entry in ClinVar:

NM_001205293.3(CACNA1E):c.7C>A (p.Arg3Ser)

Gene: CACNA1E (calcium voltage-gated channel subunit alpha1 E; plus strand). Cytogenetic location: 1q25.3.
Variant type: single nucleotide variant.
Coding change: c.7C>A on transcript NM_001205293.3 (MANE Select); coding-DNA position 7, C replaced by A.
Protein change: p.Arg3Ser; replaces arginine 3 with serine.
Molecular consequence: missense variant.
Genome position (GRCh38, 1-based): chr1:181,483,751, C>A. VCF-style: chr1-181483751-C-A. GRCh37 (hg19) VCF-style: chr1-181452887-C-A.
Other names: c.7C>A, p.Arg3Ser (NM_000721.4, NM_001205294.2); short protein forms R3S.
Identifiers: ClinVar variation 4535317 (VCV004535317.6).

ClinVar aggregate classification (germline): Uncertain significance (1 of 4 stars; one submission).

Submission:

CeGaT Center for Human Genetics Tuebingen
Classification: Uncertain significance. Last evaluated: 2025-11-01. Review status: criteria provided, single submitter. Criteria: CeGaT Center For Human Genetics Tuebingen Variant Classification Criteria Version 2. Collection method: clinical testing. Allele origin: germline. Affected: yes. Observed: 1 variant allele.
Comment: CACNA1E: PM2, PS4:Supporting